The following is an entry in ClinVar:

ClinVar aggregate classification (germline): Uncertain significance (1 of 4 stars; one submission).

Conditions:
TTN-related disorder. Also called: TTN-related disorders; TTN-related condition; TTN-related disease.

gnomAD v4.1: 3 of 1,613,750 alleles (0.00019%); highest among the groups gnomAD compares: African/African-American, 0.004%; no homozygotes.

Submission:

PreventionGenetics, part of Exact Sciences
Classification: Uncertain significance for TTN-related condition. Last evaluated: 2025-09-11. Review status: criteria provided, single submitter. Criteria: ACMG Guidelines, 2015. Collection method: clinical testing. Allele origin: germline.
Comment: The TTN c.13603G>A variant is predicted to result in the amino acid substitution p.Val4535Ile. To our knowledge, this variant has not been reported in the literature. This variant is reported in 0.0065% of alleles in individuals of African descent in gnomAD. At this time, the clinical significance of this variant is uncertain due to the absence of conclusive functional and genetic evidence.

NM_001267550.2(TTN):c.13603G>A (p.Val4535Ile)

Gene: TTN (titin; minus strand). Cytogenetic location: 2q31.2.
Variant type: single nucleotide variant.
Coding change: c.13603G>A on transcript NM_001267550.2 (MANE Select); coding-DNA position 13603, G replaced by A.
Protein change: p.Val4535Ile; replaces valine 4535 with isoleucine.
Molecular consequence: missense variant. On other transcripts: intron variant (1).
Genome position (GRCh38, 1-based): chr2:178,739,630, C>T on the plus strand (G>A on the coding strand, the complement: TTN is on the minus strand). VCF-style: chr2-178739630-C-T. GRCh37 (hg19) VCF-style: chr2-179604357-C-T.
Other names: c.12652G>A, p.Val4218Ile (NM_001256850.1); c.12514G>A, p.Val4172Ile (NM_003319.4); c.12889G>A, p.Val4297Ile (NM_133432.3); c.13090G>A, p.Val4364Ile (NM_133437.4); c.10361-1270G>A (NM_133378.4); short protein forms V4364I, V4297I, V4535I, V4172I, V4218I.
Identifiers: ClinVar variation 4985360 (VCV004985360.1).
Genomic context (GRCh38, chr2:178,739,630, plus strand): 5'-CTTTAGTGACAGGTGTGGCATCCAAATATTTAACCCTACTTTGCACGTTAAAATAACTGA[C>T]CTCTTCAGTTGAGATCAGATATTTAGATTCAACTTCTGGTTCAGTAATGGGTTCAACCTT-3'
Protein context (NP_001254479.2, residues 4525-4545): ESKYLISTEE[Val4535Ile]SYFNVQSRVK